The following is an entry in ClinVar:

NM_000245.4(MET):c.994C>A (p.Gln332Lys)

Gene: MET (MET proto-oncogene, receptor tyrosine kinase; plus strand). Cytogenetic location: 7q31.2.
Variant type: single nucleotide variant.
Coding change: c.994C>A on transcript NM_000245.4 (MANE Select); coding-DNA position 994, C replaced by A.
Protein change: p.Gln332Lys; replaces glutamine 332 with lysine.
Molecular consequence: missense variant. On other transcripts: intron variant (1).
Genome position (GRCh38, 1-based): chr7:116,700,078, C>A. VCF-style: chr7-116700078-C-A. GRCh37 (hg19) VCF-style: chr7-116340132-C-A.
Other names: c.994C>A, p.Gln332Lys (NM_001127500.3, NM_001324401.3); c.-91+27501C>A (NM_001324402.2); short protein forms Q332K.
Identifiers: ClinVar variation 1768690 (VCV001768690.6), dbSNP rs1791512313, ClinGen allele CA368970308.

ClinVar aggregate classification (germline): Uncertain significance. Review status: criteria provided, multiple submitters, no conflicts (2 of 4 stars). 2 submissions from 2 submitters: Uncertain significance (2). Last evaluated 2025-05-27.

Conditions:
Renal cell carcinoma. Identifiers: Orphanet 217071, MedGen C0007134, MeSH D002292, MONDO:0005086, HP:0005584.
Hereditary cancer-predisposing syndrome. Also called: Hereditary Cancer Syndrome; Hereditary neoplastic syndrome; Neoplastic Syndromes, Hereditary; Tumor predisposition. Identifiers: Orphanet 140162, MedGen C0027672, MeSH D009386, MONDO:0015356.

Allele frequency attached by ClinVar (database versions not stated): gnomAD exomes below 0.00001.
gnomAD v4.1: 2 of 1,612,852 alleles (0.00012%); highest among the groups gnomAD compares: Non-Finnish European, 0.00017%; no homozygotes.

Submissions (2):

Ambry Genetics
Classification: Uncertain significance for Hereditary cancer-predisposing syndrome. Last evaluated: 2025-05-27. Review status: criteria provided, single submitter. Criteria: Ambry Variant Classification Scheme 2023. Collection method: clinical testing. Allele origin: germline.
Comment: The p.Q332K variant (also known as c.994C>A), located in coding exon 1 of the MET gene, results from a C to A substitution at nucleotide position 994. The glutamine at codon 332 is replaced by lysine, an amino acid with similar properties. This amino acid position is well conserved in available vertebrate species. In addition, this alteration is predicted to be tolerated by in silico analysis. Based on the available evidence, the clinical significance of this variant remains unclear.

Labcorp Genetics (formerly Invitae), Labcorp
Classification: Uncertain significance for Renal cell carcinoma. Last evaluated: 2023-10-04. Review status: criteria provided, single submitter. Criteria: Invitae Variant Classification Sherloc (09022015). Collection method: clinical testing. Allele origin: germline.
Comment: This sequence change replaces glutamine, which is neutral and polar, with lysine, which is basic and polar, at codon 332 of the MET protein (p.Gln332Lys). This variant is not present in population databases (gnomAD no frequency). This variant has not been reported in the literature in individuals affected with MET-related conditions. ClinVar contains an entry for this variant (Variation ID: 1768690). Advanced modeling of protein sequence and biophysical properties (such as structural, functional, and spatial information, amino acid conservation, physicochemical variation, residue mobility, and thermodynamic stability) performed at Invitae indicates that this missense variant is not expected to disrupt MET protein function. In summary, the available evidence is currently insufficient to determine the role of this variant in disease. Therefore, it has been classified as a Variant of Uncertain Significance.